The following is an entry in ClinVar:

ClinVar aggregate classification (germline): Likely benign. Review status: criteria provided, multiple submitters, no conflicts (2 of 4 stars). 3 submissions from 3 submitters: Likely benign (3). Last evaluated 2025-10-22.

Conditions:
Hereditary spastic paraplegia 17. Also called: Spastic Paraplegia 17; Autosomal dominant spastic paraplegia type 17; Silver Syndrome; Silver spastic paraplegia syndrome; SPASTIC PARAPLEGIA WITH AMYOTROPHY OF HANDS AND FEET. Identifiers: Orphanet 100998, MedGen C2931276, MONDO:0010043, OMIM 270685.
Neuronopathy, distal hereditary motor, type 5C. Also called: DHMN VC; NEURONOPATHY, DISTAL HEREDITARY MOTOR, HARDING TYPE VC; NEUROPATHY, DISTAL HEREDITARY MOTOR, HARDING TYPE VC; SPINAL MUSCULAR ATROPHY, DISTAL, HARDING TYPE VC; NEURONOPATHY, DISTAL HEREDITARY MOTOR, AUTOSOMAL DOMINANT 13. Identifiers: MedGen C5436838, MONDO:0030860, OMIM 619112.
Congenital generalized lipodystrophy type 2 (CGL2). Also called: Berardinelli-Seip Congenital Lipodystrophy Type 2; BERARDINELLI SYNDROME; BRUNZELL SYNDROME, BSCL2-RELATED; SEIP SYNDROME. Identifiers: Orphanet 528, Orphanet 696289, MedGen C1720863, MONDO:0010020, OMIM 269700.
Severe neurodegenerative syndrome with lipodystrophy. Also called: ENCEPHALOPATHY, PROGRESSIVE, WITH LIPODYSTROPHY; Encephalopathy, progressive, with or without lipodystrophy. Identifiers: Orphanet 363400, MedGen C4014700, MONDO:0014402, OMIM 615924.
Charcot-Marie-Tooth disease type 2. Also called: Charcot-Marie-Tooth type 2. Identifiers: Orphanet 64746, MedGen C0270914, MONDO:0018993.

Allele frequency attached by ClinVar (database versions not stated): gnomAD exomes 0.00001; TOPMed 0.00001; ExAC 0.00002.
gnomAD v4.1: 14 of 1,614,190 alleles (0.00087%); highest among the groups gnomAD compares: East Asian, 0.011%; no homozygotes.

Submissions (3):

Labcorp Genetics (formerly Invitae), Labcorp
Classification: Likely benign for Charcot-Marie-Tooth disease type 2. Last evaluated: 2025-10-22. Review status: criteria provided, single submitter. Criteria: Invitae Variant Classification Sherloc (09022015). Collection method: clinical testing. Allele origin: germline.

CeGaT Center for Human Genetics Tuebingen
Classification: Likely benign. Last evaluated: 2023-03-01. Review status: criteria provided, single submitter. Criteria: CeGaT Center For Human Genetics Tuebingen Variant Classification Criteria Version 2. Collection method: clinical testing. Allele origin: germline. Affected: yes. Observed: 1 variant allele.
Comment: BSCL2: BP4, BP7

Fulgent Genetics
Classification: Likely benign for Congenital generalized lipodystrophy type 2; Hereditary spastic paraplegia 17; Severe neurodegenerative syndrome with lipodystrophy; Neuronopathy, distal hereditary motor, type 5C. Last evaluated: 2021-09-13. Review status: criteria provided, single submitter. Criteria: ACMG Guidelines, 2015. Collection method: clinical testing. Allele origin: unknown.

NM_001122955.4(BSCL2):c.933C>T (p.Ser311=)

Genes: HNRNPUL2-BSCL2 (HNRNPUL2-BSCL2 readthrough (NMD candidate); minus strand), BSCL2 (BSCL2 lipid droplet biogenesis associated, seipin; minus strand). Cytogenetic location: 11q12.3.
Variant type: single nucleotide variant.
Coding change: c.933C>T on transcript NM_001122955.4 (MANE Select); coding-DNA position 933, C replaced by T.
Protein change: p.Ser311=; no amino-acid change (serine 311 retained).
Molecular consequence: synonymous variant. On other transcripts: non-coding transcript variant (1), intron variant (1).
Genome position (GRCh38, 1-based): chr11:62,691,352, G>A on the plus strand (C>T on the coding strand, the complement: BSCL2 is on the minus strand). VCF-style: chr11-62691352-G-A. GRCh37 (hg19) VCF-style: chr11-62458824-G-A.
Other names: c.933C>T, p.Ser311= (NM_001386027.1, NM_001386028.1); c.741C>T, p.Ser247= (NM_032667.6); c.672-211C>T (NM_001130702.2).
Identifiers: ClinVar variation 1647630 (VCV001647630.33), dbSNP rs748195771, ClinGen allele CA6053406.